The following is an entry in ClinVar:

NM_001393704.1(MOBP):c.207-22C>T

Gene: MOBP (myelin associated oligodendrocyte basic protein; plus strand). Cytogenetic location: 3p22.1.
Variant type: single nucleotide variant.
Coding change: c.207-22C>T on transcript NM_001393704.1 (MANE Select); 22 bases into the intron before coding-DNA position 207, C replaced by T.
Molecular consequence: intron variant. On other transcripts: missense variant (1).
Genome position (GRCh38, 1-based): chr3:39,502,513, C>T. VCF-style: chr3-39502513-C-T. GRCh37 (hg19) VCF-style: chr3-39544004-C-T.
Other names: c.257C>T, p.Pro86Leu (NM_001278322.2); c.206+238C>T (NM_182935.4); c.207-22C>T (NM_001278323.2); short protein forms P86L.
Identifiers: ClinVar variation 3353421 (VCV003353421.1).

ClinVar aggregate classification (germline): Uncertain significance (0 of 4 stars; one submission).

Conditions:
MOBP-related disorder. Also called: MOBP-related condition.

gnomAD v4.1: 7 of 1,566,152 alleles (0.00045%); highest among the groups gnomAD compares: Non-Finnish European, 0.00052%; no homozygotes.

Submission:

PreventionGenetics, part of Exact Sciences
Classification: Uncertain significance for MOBP-related condition. Last evaluated: 2024-07-21. Review status: no assertion criteria provided. Collection method: clinical testing. Allele origin: germline.
Comment: The MOBP c.257C>T variant is predicted to result in the amino acid substitution p.Pro86Leu. To our knowledge, this variant has not been reported in the literature or in a large population database, indicating this variant is rare. At this time, the clinical significance of this variant is uncertain due to the absence of conclusive functional and genetic evidence.